The following is an entry in ClinVar:

NM_001386795.1(DTNA):c.18del (p.Arg8fs)

Genes: DTNA (dystrobrevin alpha; plus strand), DTNA-AS1 (DTNA antisense RNA 1; minus strand). Cytogenetic location: 18q12.1.
Variant type: Deletion.
Coding change: c.18del on transcript NM_001386795.1 (MANE Select); coding-DNA position 18, one base deleted (G; older notation c.18delG).
Protein change: p.Arg8fs; shifts the reading frame from arginine 8.
Molecular consequence: frameshift variant.
Genome position (GRCh38, 1-based): chr18:34,755,994, G deleted; the last of 3 consecutive G bases (chr18:34,755,992-34,755,994); deleting any one gives the same sequence. VCF-style (leftmost placement, unchanged base first): chr18-34755991-TG-T. GRCh37 (hg19) VCF-style: chr18-32335955-TG-T.
Other names: c.18del, p.Arg8fs (NM_001128175.2, NM_001198938.2, NM_001198939.2 and 35 more transcripts); short protein forms R8fs.
Identifiers: ClinVar variation 4748724 (VCV004748724.1).

ClinVar aggregate classification (germline): Uncertain significance (1 of 4 stars; one submission).

Conditions:
Left ventricular noncompaction 1 (LVNC1). Also called: LEFT VENTRICULAR NONCOMPACTION 1 WITH OR WITHOUT CONGENITAL HEART DEFECTS. Identifiers: Orphanet 54260, MedGen C1858725, MONDO:0011403, OMIM 604169.

Submission:

Labcorp Genetics (formerly Invitae), Labcorp
Classification: Uncertain significance for Left ventricular noncompaction 1. Last evaluated: 2026-01-31. Review status: criteria provided, single submitter. Criteria: Invitae Variant Classification Sherloc (09022015). Collection method: clinical testing. Allele origin: germline.
Comment: This sequence change creates a premature translational stop signal (p.Arg8Glufs*15) in the DTNA gene. It is expected to result in an absent or disrupted protein product. However, the current clinical and genetic evidence is not sufficient to establish whether loss-of-function variants in DTNA cause disease. This variant is present in population databases (rs773454515, gnomAD 0.007%). This variant has not been reported in the literature in individuals affected with DTNA-related conditions. In summary, the available evidence is currently insufficient to determine the role of this variant in disease. Therefore, it has been classified as a Variant of Uncertain Significance.